The following is an entry in ClinVar:

ClinVar aggregate classification (germline): Uncertain significance (1 of 4 stars; one submission).

Conditions:
Developmental and epileptic encephalopathy, 36 (DEE36). Also called: Congenital disorder of glycosylation, type Is; Epileptic encephalopathy, early infantile, 36; ALG13-CDG. Identifiers: Orphanet 324422, MedGen C4317295, MONDO:0010472, OMIM 300884.

Submission:

Labcorp Genetics (formerly Invitae), Labcorp
Classification: Uncertain significance for Developmental and epileptic encephalopathy, 36. Last evaluated: 2024-09-28. Review status: criteria provided, single submitter. Criteria: Invitae Variant Classification Sherloc (09022015). Collection method: clinical testing. Allele origin: germline.
Comment: This sequence change replaces aspartic acid, which is acidic and polar, with tyrosine, which is neutral and polar, at codon 676 of the ALG13 protein (p.Asp676Tyr). This variant is not present in population databases (gnomAD no frequency). This variant has not been reported in the literature in individuals affected with ALG13-related conditions. Invitae Evidence Modeling of protein sequence and biophysical properties (such as structural, functional, and spatial information, amino acid conservation, physicochemical variation, residue mobility, and thermodynamic stability) indicates that this missense variant is not expected to disrupt ALG13 protein function with a negative predictive value of 80%. In summary, the available evidence is currently insufficient to determine the role of this variant in disease. Therefore, it has been classified as a Variant of Uncertain Significance.

NM_001099922.3(ALG13):c.2026G>T (p.Asp676Tyr)

Gene: ALG13 (ALG13 UDP-N-acetylglucosaminyltransferase subunit; plus strand). Cytogenetic location: Xq23.
Variant type: single nucleotide variant.
Coding change: c.2026G>T on transcript NM_001099922.3 (MANE Select); coding-DNA position 2026, G replaced by T.
Protein change: p.Asp676Tyr; replaces aspartic acid 676 with tyrosine.
Molecular consequence: missense variant. On other transcripts: non-coding transcript variant (1).
Genome position (GRCh38, 1-based): chrX:111,727,381, G>T. VCF-style: chrX-111727381-G-T. GRCh37 (hg19) VCF-style: chrX-110970609-G-T.
Other names: c.1714G>T, p.Asp572Tyr (NM_001257230.2, NM_001257234.2, NM_001257237.2); c.1792G>T, p.Asp598Tyr (NM_001257231.2); c.2026G>T, p.Asp676Tyr (NM_001324292.2); c.1540G>T, p.Asp514Tyr (NM_001324293.1); short protein forms D598Y, D676Y, D572Y, D514Y.
Identifiers: ClinVar variation 3655810 (VCV003655810.2).